The following is an entry in ClinVar:

ClinVar aggregate classification (germline): Uncertain significance. Review status: criteria provided, multiple submitters, no conflicts (2 of 4 stars). 2 submissions from 2 submitters: Uncertain significance (2). Last evaluated 2024-04-23.

Conditions:
Intellectual disability, autosomal recessive 53 (NEDHSCA). Also called: GLYCOSYLPHOSPHATIDYLINOSITOL BIOSYNTHESIS DEFECT 13; Mental retardation, autosomal recessive 53; NEURODEVELOPMENTAL DISORDER WITH OR WITHOUT HYPOTONIA, SEIZURES, AND CEREBELLAR ATROPHY. Identifiers: Orphanet 488635, MedGen C4310794, MONDO:0014832, OMIM 616917.
Inborn genetic diseases. Identifiers: MedGen C0950123, MeSH D030342.

Allele frequency attached by ClinVar (database versions not stated): gnomAD exomes below 0.00001; TOPMed below 0.00001; ExAC 0.00001; gnomAD 0.00001.
gnomAD v4.1: 8 of 1,613,904 alleles (0.0005%); highest among the groups gnomAD compares: East Asian, 0.0045%; no homozygotes.

Submissions (2):

Ambry Genetics
Classification: Uncertain significance for Inborn genetic diseases. Last evaluated: 2024-04-23. Review status: criteria provided, single submitter. Criteria: Ambry Variant Classification Scheme 2023. Collection method: clinical testing. Allele origin: germline.

Labcorp Genetics (formerly Invitae), Labcorp
Classification: Uncertain significance for Intellectual disability, autosomal recessive 53. Last evaluated: 2022-02-03. Review status: criteria provided, single submitter. Criteria: Invitae Variant Classification Sherloc (09022015). Collection method: clinical testing. Allele origin: germline.
Comment: In summary, the available evidence is currently insufficient to determine the role of this variant in disease. Therefore, it has been classified as a Variant of Uncertain Significance. Algorithms developed to predict the effect of missense changes on protein structure and function are either unavailable or do not agree on the potential impact of this missense change (SIFT: "Deleterious"; PolyPhen-2: "Benign"; Align-GVGD: "Class C0"). This variant has not been reported in the literature in individuals affected with PIGG-related conditions. This variant is present in population databases (rs782384237, gnomAD 0.01%). This sequence change replaces threonine, which is neutral and polar, with methionine, which is neutral and non-polar, at codon 257 of the PIGG protein (p.Thr257Met).

NM_001127178.3(PIGG):c.770C>T (p.Thr257Met)

Gene: PIGG (phosphatidylinositol glycan anchor biosynthesis class G (EMM blood group); plus strand). Cytogenetic location: 4p16.3.
Variant type: single nucleotide variant.
Coding change: c.770C>T on transcript NM_001127178.3 (MANE Select); coding-DNA position 770, C replaced by T.
Protein change: p.Thr257Met; replaces threonine 257 with methionine.
Molecular consequence: missense variant. On other transcripts: 5 prime UTR variant (3), non-coding transcript variant (10), intron variant (1).
Genome position (GRCh38, 1-based): chr4:508,839, C>T. VCF-style: chr4-508839-C-T. GRCh37 (hg19) VCF-style: chr4-502628-C-T.
Other names: c.503C>T, p.Thr168Met (NM_001289051.2, NM_001289053.2, NM_001289057.2 and 2 more transcripts); c.371C>T, p.Thr124Met (NM_001289052.2); c.404C>T, p.Thr135Met (NM_001289055.2); c.770C>T, p.Thr257Met (NM_001345989.2, NM_017733.5); c.-856C>T (NM_001345990.2); c.-718C>T (NM_001345991.2); c.-443C>T (NM_001345994.2); c.-129+1246C>T (NM_001345988.2); and 1 more; short protein forms T168M, T124M, T135M, T257M.
Identifiers: ClinVar variation 1487525 (VCV001487525.5), dbSNP rs782384237, ClinGen allele CA2793106.
Genomic context (GRCh38, chr4:508,839, plus strand): 5'-TGCTCTCTTCAGTCTGAACGCAGTTGAAATGTTTTTCCTTTGCCTTAAAGGAGAGAGAGA[C>T]GCCTTTACCCAATTTGCTGGTTCTTTGTGGTGACCATGGCATGTCTGAAACAGGAAGTCA-3'
Protein context (NP_001120650.1, residues 247-267): HTSLQSKERE[Thr257Met]PLPNLLVLCG